The following is an entry in ClinVar:

ClinVar aggregate classification (germline): Uncertain significance (1 of 4 stars; one submission).

Conditions:
Developmental and epileptic encephalopathy, 23 (DEE23). Also called: Epileptic encephalopathy, early infantile, 23. Identifiers: Orphanet 411986, MedGen C4014492, MONDO:0014371, OMIM 615859.

Submission:

Labcorp Genetics (formerly Invitae), Labcorp
Classification: Uncertain significance for Developmental and epileptic encephalopathy, 23. Last evaluated: 2024-10-15. Review status: criteria provided, single submitter. Criteria: Invitae Variant Classification Sherloc (09022015). Collection method: clinical testing. Allele origin: germline.
Comment: This sequence change replaces proline, which is neutral and non-polar, with arginine, which is basic and polar, at codon 1144 of the DOCK7 protein (p.Pro1144Arg). This variant is present in population databases (no rsID available, gnomAD 0.0004%). This variant has not been reported in the literature in individuals affected with DOCK7-related conditions. ClinVar contains an entry for this variant (Variation ID: 1377306). An algorithm developed to predict the effect of missense changes on protein structure and function (PolyPhen-2) suggests that this variant is likely to be disruptive. In summary, the available evidence is currently insufficient to determine the role of this variant in disease. Therefore, it has been classified as a Variant of Uncertain Significance.

NM_001367561.1(DOCK7):c.3431_3432delinsGG (p.Pro1144Arg)

Gene: DOCK7 (dedicator of cytokinesis 7; minus strand). Cytogenetic location: 1p31.3.
Variant type: Indel.
Coding change: c.3431_3432delinsGG on transcript NM_001367561.1 (MANE Select); coding-DNA positions 3431 to 3432, CT replaced by GG.
Protein change: p.Pro1144Arg; replaces proline 1144 with arginine.
Molecular consequence: missense variant.
Genome position (GRCh38, 1-based): chr1:62,537,930-62,537,931, AG replaced by CC on the plus strand (CT replaced by GG on the coding strand, the reverse complement: DOCK7 is on the minus strand). VCF-style: chr1-62537930-AG-CC. GRCh37 (hg19) VCF-style: chr1-63003601-AG-CC.
Other names: c.3431_3432delinsGG, p.Pro1144Arg (NM_001271999.2, NM_001330614.2); c.3338_3339delinsGG, p.Pro1113Arg (NM_001272000.2, NM_001272001.2, NM_033407.4); short protein forms P1113R, P1144R.
Identifiers: ClinVar variation 1377306 (VCV001377306.6), dbSNP rs2149390031, ClinGen allele CA2573132511.
Genomic context (GRCh38, chr1:62,537,930, plus strand): 5'-ATATTCACACAATTTGCATACCTGAGATGTTGCAGAAGAAACAGAAGGTGATGGAGATGC[AG>CC]GTGGAGTAAGTAAGCTGCAGGGTAAGTTTAATGTAACATAGTGCTCATGACTGCAGATGA-3'
Protein context (NP_001354490.1, residues 1134-1154): LNLPCSLLTP[Pro1144Arg]ASPSPSVSSA